The following continues an entry in ClinVar:

NM_002474.3(MYH11):c.5273G>A (p.Arg1758Gln)

ClinVar aggregate classification (germline): Conflicting classifications of pathogenicity. Uncertain significance (10); Likely benign (2).

Submissions 11 to 17 of 17:

Laboratory for Molecular Medicine, Mass General Brigham Personalized Medicine
Classification: Uncertain significance. Last evaluated: 2021-11-16. Review status: criteria provided, single submitter. Criteria: ACMG Guidelines, 2015. Collection method: clinical testing. Allele origin: germline.
Comment: The p.Arg1765Gln variant in MYH11 has been reported in 4 individuals with thoracic aortic aneurysms and dissection (TAAD) as well as one individual with aneurysm and one with bicuspid aortic valve (Zhu 2006 PMID: 16444274, Poninska 2016 PMID: 27146836, Ravindra 2016 PMID: 27367753, Gillis 2017 PMID: 28659821, Weerakkody 2018 PMID: 29543232). Of note, in one family the p.Arg1765Gln MYH11 variant was identified in cis with a canonical splice variant in all affected individuals (Zhu 2006 PMID: 16444274). It has also been identified in 0.04% (52/128864) of European chromosomes by gnomAD. Computational prediction tools and conservation analyses do not provide strong support for or against an impact to the protein. In summary, while the clinical significance of this variant is uncertain, these data suggest that it is more likely to be benign. ACMG/AMP Criteria applied: BS1.

CHEO Genetics Diagnostic Laboratory, Children's Hospital of Eastern Ontario
Classification: Uncertain significance for Familial thoracic aortic aneurysm and aortic dissection. Last evaluated: 2019-05-06. Review status: criteria provided, single submitter. Criteria: ACMG Guidelines, 2015. Collection method: clinical testing. Allele origin: germline.

PreventionGenetics, part of Exact Sciences
Classification: Uncertain significance for MYH11-related condition. Last evaluated: 2024-06-10. Review status: no assertion criteria provided. Collection method: clinical testing. Allele origin: germline. Not counted in ClinVar's aggregate classification.
Comment: The MYH11 c.5294G>A variant is predicted to result in the amino acid substitution p.Arg1765Gln. This variant, also known as c.5273G>A (p.Arg1758Gln) in the literature, was reported in multiple individuals with thoracic aortic aneurysm and dissection (TAAD; Weerakkody et al. 2018. PubMed ID: 29543232) and in an infant with cerebral artery aneurysm (Ravindra et al. 2016. PubMed ID: 27367753). However, this variant was reported to be in cis with a canonical splice variant in MYH11 in one family segregating with TAAD (Zhu et al. 2006. PubMed ID: 16444274). This variant was documented in an individual with TAAD but also in the individual's unaffected daughter (Poninska et al. 2016. PubMed ID: 27146836). This variant is reported in 0.040% of alleles in individuals of European (Non-Finnish) descent in gnomAD. At this time, the clinical significance of this variant is uncertain due to the absence of conclusive functional and genetic evidence.

CSER _CC_NCGL, University of Washington
Classification: Likely benign for Aortic aneurysm, familial thoracic 4. Last evaluated: 2014-06-01. Review status: no assertion criteria provided. Collection method: research. Allele origin: germline. Inheritance: Autosomal dominant inheritance. Study: ESP 6500 variant annotation. Not counted in ClinVar's aggregate classification.
Comment: Variants classified for the Actionable exomic incidental findings in 6503 participants: challenges of variant classification manuscript

Centre for Genomic and Experimental Medicine, University of Edinburgh
Classification: Likely pathogenic for Familial thoracic aortic aneurysm and aortic dissection. Review status: no assertion criteria provided. Collection method: research. Allele origin: unknown. Affected: yes. Not counted in ClinVar's aggregate classification.

Dr. Peter K. Rogan Lab, Western University
No classification provided (evidence only). Condition: Colon adenocarcinoma. Review status: no classification provided. Collection method: in vitro. Allele origin: not applicable. Functional consequence: retained intron. Not counted in ClinVar's aggregate classification.

Dr. Peter K. Rogan Lab, Western University
No classification provided (evidence only). Condition: Cervical cancer. Review status: no classification provided. Collection method: in vitro. Allele origin: not applicable. Functional consequence: retained intron. Not counted in ClinVar's aggregate classification.

Literature cited by the submitters: PubMed 16444274 (cited by 5 submitters); PubMed 27146836 (cited by 5 submitters); PubMed 28659821 (cited by 4 submitters); PubMed 27367753 (cited by 4 submitters); PubMed 29543232 (cited by 4 submitters); PubMed 36763073 (cited by Mayo Clinic Laboratories, Mayo Clinic and Ambry Genetics); PubMed 37937776 (cited by Mayo Clinic Laboratories, Mayo Clinic and Women's Health and Genetics/Laboratory Corporation of America, LabCorp); PubMed 25637381 (cited by Ambry Genetics).